The following is an entry in ClinVar:

ClinVar aggregate classification (germline): Conflicting classifications of pathogenicity. Review status: criteria provided, conflicting classifications (1 of 4 stars). 3 submissions from 3 submitters: Uncertain significance (1); Benign (2). Last evaluated 2025-09-25.

Conditions:
Cataract 33. Also called: CATARACT 33, CORTICAL. Identifiers: Orphanet 91492, MedGen C3808107, MONDO:0012665, OMIM 611391.

Submissions (3):

Labcorp Genetics (formerly Invitae), Labcorp
Classification: Benign for Cataract 33. Last evaluated: 2025-09-25. Review status: criteria provided, single submitter. Criteria: Invitae Variant Classification Sherloc (09022015). Collection method: clinical testing. Allele origin: germline.

GeneDx
Classification: Uncertain significance. Last evaluated: 2021-02-05. Review status: criteria provided, single submitter. Criteria: GeneDx Variant Classification Process June 2021. Collection method: clinical testing. Allele origin: germline. Affected: yes.
Comment: In silico analysis, which includes protein predictors and evolutionary conservation, supports that this variant does not alter protein structure/function; Has not been previously published as pathogenic or benign to our knowledge

PreventionGenetics, part of Exact Sciences
Classification: Benign. Review status: criteria provided, single submitter. Criteria: ACMG Guidelines, 2015. Collection method: clinical testing. Allele origin: germline.

NM_001195.5(BFSP1):c.106_107delinsTT (p.Ala36Phe)

Gene: BFSP1 (beaded filament structural protein 1; minus strand). Cytogenetic location: 20p12.1.
Variant type: Indel.
Coding change: c.106_107delinsTT on transcript NM_001195.5 (MANE Select); coding-DNA positions 106 to 107, GC replaced by TT.
Protein change: p.Ala36Phe; replaces alanine 36 with phenylalanine.
Molecular consequence: missense variant. On other transcripts: intron variant (4).
Genome position (GRCh38, 1-based): chr20:17,531,223-17,531,224, GC replaced by AA on the plus strand (GC replaced by TT on the coding strand, the reverse complement: BFSP1 is on the minus strand). VCF-style: chr20-17531223-GC-AA. GRCh37 (hg19) VCF-style: chr20-17511868-GC-AA.
Other names: c.-40-6316_-40-6315delinsTT (NM_001278608.2, NM_001278606.2); c.45-6316_45-6315delinsTT (NM_001278607.2); c.3-6316_3-6315delinsTT (NM_001161705.2); short protein forms A36F.
Identifiers: ClinVar variation 257613 (VCV000257613.15), dbSNP rs886038419, ClinGen allele CA10587352.